The following is an entry in ClinVar:

ClinVar aggregate classification (germline): Uncertain significance. Review status: criteria provided, multiple submitters, no conflicts (2 of 4 stars). 2 submissions from 2 submitters: Uncertain significance (2). Last evaluated 2019-08-06.

Conditions:
Hereditary cancer-predisposing syndrome. Also called: Tumor predisposition; Hereditary Cancer Syndrome; Hereditary neoplastic syndrome; Neoplastic Syndromes, Hereditary. Identifiers: Orphanet 140162, MedGen C0027672, MeSH D009386, MONDO:0015356.

Submissions (2):

GeneDx
Classification: Uncertain significance. Last evaluated: 2019-08-06. Review status: criteria provided, single submitter. Criteria: GeneDx Variant Classification Process June 2021. Collection method: clinical testing. Allele origin: germline. Affected: yes.
Comment: Not observed in large population cohorts (Lek et al., 2016); In silico analysis, which includes protein predictors and evolutionary conservation, supports that this variant does not alter protein structure/function; Has not been previously published as pathogenic or benign to our knowledge

Ambry Genetics
Classification: Uncertain significance for Hereditary cancer-predisposing syndrome. Last evaluated: 2017-05-11. Review status: criteria provided, single submitter. Criteria: Ambry Variant Classification Scheme 2023. Collection method: clinical testing. Allele origin: germline.
Comment: The p.C54W variant (also known as c.162T>G), located in coding exon 3 of the MUTYH gene, results from a T to G substitution at nucleotide position 162. The cysteine at codon 54 is replaced by tryptophan, an amino acid with highly dissimilar properties. This amino acid position is not well conserved in available vertebrate species. In addition, this alteration is predicted to be tolerated by in silico analysis. Since supporting evidence is limited at this time, the clinical significance of this alteration remains unclear.

NM_001128425.2(MUTYH):c.162T>G (p.Cys54Trp)

Gene: MUTYH (mutY DNA glycosylase; minus strand). Cytogenetic location: 1p34.1.
Variant type: single nucleotide variant.
Coding change: c.162T>G on transcript NM_001128425.2 (MANE Plus Clinical); coding-DNA position 162, T replaced by G.
Protein change: p.Cys54Trp; replaces cysteine 54 with tryptophan.
Molecular consequence: missense variant. On other transcripts: intron variant (12).
Genome position (GRCh38, 1-based): chr1:45,333,599, A>C on the plus strand (T>G on the coding strand, the complement: MUTYH is on the minus strand). VCF-style: chr1-45333599-A-C. GRCh37 (hg19) VCF-style: chr1-45799271-A-C.
Other names: c.-92-102T>G (NM_001350651.2); c.-97-102T>G (NM_001293192.2, NM_001293196.2); c.-156-38T>G (NM_001350650.2); c.116-38T>G (NM_001048171.2, NM_001048173.2, NM_001048174.2 and 1 more transcripts); c.158-35T>G (NM_001293190.2); c.158-5T>G (NM_012222.3); c.116-35T>G (NM_001048172.2); c.116-5T>G (NM_001293191.2); short protein forms C54W.
Identifiers: ClinVar variation 486921 (VCV000486921.7), dbSNP rs1553130590, ClinGen allele CA340136852.